The following is an entry in ClinVar:

NM_016628.5(WAC):c.1303C>T (p.Gln435Ter)

Gene: WAC (WW domain containing adaptor with coiled-coil; plus strand). Cytogenetic location: 10p12.1.
Variant type: single nucleotide variant.
Coding change: c.1303C>T on transcript NM_016628.5 (MANE Select); coding-DNA position 1303, C replaced by T.
Protein change: p.Gln435Ter; replaces glutamine 435 with a stop codon.
Molecular consequence: nonsense.
Genome position (GRCh38, 1-based): chr10:28,611,788, C>T. VCF-style: chr10-28611788-C-T. GRCh37 (hg19) VCF-style: chr10-28900717-C-T.
Other names: c.1168C>T, p.Gln390Ter (NM_100264.3); c.994C>T, p.Gln332Ter (NM_100486.4); short protein forms Q332*, Q390*, Q435*.
Identifiers: ClinVar variation 1098366 (VCV001098366.2), dbSNP rs2132833694, ClinGen allele CA376403543.

ClinVar aggregate classification (germline): Pathogenic (1 of 4 stars; one submission).

Submission:

Genetics Laboratory, UDIAT-Centre Diagnòstic, Hospital Universitari Parc Tauli
Classification: Pathogenic. Last evaluated: 2021-04-26. Review status: criteria provided, single submitter. Criteria: Parc Tauli Hospital Assertion Criteria 2021. Collection method: clinical testing. Allele origin: de novo. Inheritance: Autosomal dominant inheritance. Affected: yes. Observed: 1 heterozygote.
Comment: PVS1_very strong;PM2_supporting;PM6_moderate